The following is an entry in ClinVar:

NM_015443.4(KANSL1):c.3138C>G (p.Pro1046=)

Gene: KANSL1 (KAT8 regulatory NSL complex subunit 1). Cytogenetic location: 17q21.31.
Variant type: single nucleotide variant.
Coding change: c.3138C>G on transcript NM_015443.4 (MANE Select); coding-DNA position 3138, C replaced by G.
Protein change: p.Pro1046=; no amino-acid change (proline 1046 retained).
Molecular consequence: synonymous variant.
Genome position (GRCh38, 1-based): chr17:46,031,656, G>C on the plus strand (C>G on the coding strand, the complement: KANSL1 is on the minus strand). VCF-style: chr17-46031656-G-C. GRCh37 (hg19) VCF-style: chr17-44109022-G-C.
Other names: c.3135C>G, p.Pro1045= (NM_001193465.2); c.3138C>G, p.Pro1046= (NM_001193466.2, NM_001379198.1).
Identifiers: ClinVar variation 386436 (VCV000386436.6), dbSNP rs776183957, ClinGen allele CA8618361.

ClinVar aggregate classification (germline): Likely benign. Review status: criteria provided, multiple submitters, no conflicts (2 of 4 stars). 2 submissions from 2 submitters: Likely benign (2). Last evaluated 2024-10-23.

Conditions:
Koolen-de Vries syndrome (KDVS). Identifiers: Orphanet 96169, MedGen C1864871, MONDO:0012496, OMIM 610443.

Allele frequency attached by ClinVar (database versions not stated): gnomAD 0.00001; gnomAD exomes 0.00001 and 0.00004; ExAC 0.00003; 1000 Genomes Project 30x 0.00031.
gnomAD v4.1: 17 of 1,612,454 alleles (0.0011%); highest among the groups gnomAD compares: South Asian, 0.015%; no homozygotes.

Submissions (2):

Labcorp Genetics (formerly Invitae), Labcorp
Classification: Likely benign for Koolen-de Vries syndrome. Last evaluated: 2024-10-23. Review status: criteria provided, single submitter. Criteria: Invitae Variant Classification Sherloc (09022015). Collection method: clinical testing. Allele origin: germline.

GeneDx
Classification: Likely benign. Last evaluated: 2016-05-26. Review status: criteria provided, single submitter. Criteria: GeneDx Variant Classification (06012015). Collection method: clinical testing. Allele origin: germline. Affected: yes.
Comment: This variant is considered likely benign or benign based on one or more of the following criteria: it is a conservative change, it occurs at a poorly conserved position in the protein, it is predicted to be benign by multiple in silico algorithms, and/or has population frequency not consistent with disease.